The following is an entry in ClinVar:

NM_000155.4(GALT):c.227C>G (p.Pro76Arg)

Genes: GALT (galactose-1-phosphate uridylyltransferase; plus strand), LOC130001683 (ATAC-STARR-seq lymphoblastoid active region 28314; plus strand). Cytogenetic location: 9p13.3.
Variant type: single nucleotide variant.
Coding change: c.227C>G on transcript NM_000155.4 (MANE Select); coding-DNA position 227, C replaced by G.
Protein change: p.Pro76Arg; replaces proline 76 with arginine.
Molecular consequence: missense variant.
Genome position (GRCh38, 1-based): chr9:34,647,233, C>G. VCF-style: chr9-34647233-C-G. GRCh37 (hg19) VCF-style: chr9-34647230-C-G.
Other names: NM_001258332.2:c.25C>G; c.25C>G, p.Leu9Val (NM_001258332.2); short protein forms L9V, P76R.
Identifiers: ClinVar variation 5021469 (VCV005021469.1).

ClinVar aggregate classification (germline): Uncertain significance (3 of 4 stars; one submission).

Conditions:
Galactosemia. Also called: Galactose intolerance. Identifiers: Orphanet 352, MedGen C0016952, MONDO:0018116, HP:0004919. Disease mechanism: loss of function.

Submission:

Clingen Galactosemia Variant Curation Expert Panel, ClinGen
Classification: Uncertain significance for Galactosemia. Last evaluated: 2026-06-23. Review status: reviewed by expert panel. Criteria: ClinGen Galactosemia ACMG Specifications GALT V1.1. Collection method: curation. Allele origin: germline. Inheritance: Autosomal recessive inheritance.
Comment: The c.227C>G variant in GALT is a missense variant predicted to cause substitution of proline by arginine at amino acid 76 (p.Pro76Arg). This variant is absent from gnomAD v4 (PM2_Supporting). The computational predictor REVEL gives a score of 0.955, which is equal to or above the threshold of 0.7, evidence that correlates with impact to GALT function (PP3). In summary, this variant meets the criteria to be classified as uncertain significance for galactosemia based on the ACMG/AMP criteria applied, as specified by the ClinGen Galactosemia VCEP: PM2_Supporting; PP3 (GALT specifications v1.0.0).